The following is an entry in ClinVar:

ClinVar aggregate classification (germline): Benign (1 of 4 stars; one submission).

Allele frequency attached by ClinVar (database versions not stated): 1000 Genomes Project 30x 0.30947; 1000 Genomes Project 0.32583; gnomAD 0.15390 and 0.16358; TOPMed 0.17604.
gnomAD v4.1: 18,307 of 111,821 alleles (16%); highest among the groups gnomAD compares: East Asian, 67%; 1,565 homozygotes.

Submission:

GeneDx
Classification: Benign. Last evaluated: 2018-06-19. Review status: criteria provided, single submitter. Criteria: GeneDx Variant Classification (06012015). Collection method: clinical testing. Allele origin: germline. Affected: yes.
Comment: This variant is considered likely benign or benign based on one or more of the following criteria: it is a conservative change, it occurs at a poorly conserved position in the protein, it is predicted to be benign by multiple in silico algorithms, and/or has population frequency not consistent with disease.

NM_001123385.2(BCOR):c.4741+317T>C

Gene: BCOR (BCL6 corepressor; minus strand). Cytogenetic location: Xp11.4.
Variant type: single nucleotide variant.
Coding change: c.4741+317T>C on transcript NM_001123385.2 (MANE Select); 317 bases into the intron after coding-DNA position 4741, T replaced by C.
Molecular consequence: intron variant.
Genome position (GRCh38, 1-based): chrX:40,055,051, A>G on the plus strand (T>C on the coding strand, the complement: BCOR is on the minus strand). VCF-style: chrX-40055051-A-G. GRCh37 (hg19) VCF-style: chrX-39914304-A-G.
Other names: c.4585+317T>C (NM_001123384.2); c.4687+317T>C (NM_001438207.1); c.4639+317T>C (NM_001123383.2, NM_001438208.1, NM_017745.6); c.4741+317T>C (NM_001437510.1, NM_001437511.1).
Identifiers: ClinVar variation 674199 (VCV000674199.1), dbSNP rs6609049, ClinGen allele CA16008101.